The following is an entry in ClinVar:

ClinVar aggregate classification (germline): Uncertain significance (1 of 4 stars; one submission).

Allele frequency attached by ClinVar (database versions not stated): gnomAD exomes below 0.00001.
gnomAD v4.1: 1 of 1,614,134 alleles (0.000062%); highest among the groups gnomAD compares: Non-Finnish European, 0.000085%; no homozygotes.

Submission:

GeneDx
Classification: Uncertain significance. Last evaluated: 2017-09-20. Review status: criteria provided, single submitter. Criteria: GeneDx Variant Classification (06012015). Collection method: clinical testing. Allele origin: germline. Affected: yes.
Comment: The L845F variant in the ANKRD11 gene has not been reported previously as a pathogenic variant, nor as a benign variant, to our knowledge. This variant is not observed in large population cohorts (Lek et al., 2016). The L845F variant is a conservative amino acid substitution, which is not likely to impact secondary protein structure as these residues share similar properties. In addition, this substitution occurs at a position where amino acids with similar properties to Leucine are tolerated across species. However, in silico analysis is inconsistent in its predictions as to whether or not the variant is damaging to the protein structure/function. We interpret L845F as a variant of uncertain significance.

NM_013275.6(ANKRD11):c.2535G>T (p.Leu845Phe)

Gene: ANKRD11 (ankyrin repeat domain containing 11; minus strand). Cytogenetic location: 16q24.3.
Variant type: single nucleotide variant.
Coding change: c.2535G>T on transcript NM_013275.6 (MANE Select); coding-DNA position 2535, G replaced by T.
Protein change: p.Leu845Phe; replaces leucine 845 with phenylalanine.
Molecular consequence: missense variant.
Genome position (GRCh38, 1-based): chr16:89,284,007, C>A on the plus strand (G>T on the coding strand, the complement: ANKRD11 is on the minus strand). VCF-style: chr16-89284007-C-A. GRCh37 (hg19) VCF-style: chr16-89350415-C-A.
Other names: c.2535G>T, p.Leu845Phe (NM_001256182.2, NM_001256183.2); short protein forms L845F.
Identifiers: ClinVar variation 452062 (VCV000452062.2), dbSNP rs1555529022, ClinGen allele CA397162188.